The following is an entry in ClinVar:

ClinVar aggregate classification (germline): Uncertain significance. Review status: criteria provided, multiple submitters, no conflicts (2 of 4 stars). 2 submissions from 2 submitters: Uncertain significance (2). Last evaluated 2025-03-19.

Conditions:
Hereditary cancer-predisposing syndrome. Also called: Tumor predisposition; Neoplastic Syndromes, Hereditary; Hereditary Cancer Syndrome; Hereditary neoplastic syndrome. Identifiers: Orphanet 140162, MedGen C0027672, MeSH D009386, MONDO:0015356.
Familial adenomatous polyposis 1 (FAP1). Also called: POLYPOSIS, ADENOMATOUS INTESTINAL; FAMILIAL ADENOMATOUS POLYPOSIS 1, ATTENUATED. Identifiers: MedGen C2713442, MONDO:0021056, OMIM 175100. Disease mechanism: loss of function.

Submissions (2):

Labcorp Genetics (formerly Invitae), Labcorp
Classification: Uncertain significance for Familial adenomatous polyposis 1. Last evaluated: 2025-03-19. Review status: criteria provided, single submitter. Criteria: Invitae Variant Classification Sherloc (09022015). Collection method: clinical testing. Allele origin: germline.
Comment: This sequence change replaces proline, which is neutral and non-polar, with arginine, which is basic and polar, at codon 1453 of the APC protein (p.Pro1453Arg). This variant is not present in population databases (gnomAD no frequency). This variant has not been reported in the literature in individuals affected with APC-related conditions. Invitae Evidence Modeling of protein sequence and biophysical properties (such as structural, functional, and spatial information, amino acid conservation, physicochemical variation, residue mobility, and thermodynamic stability) indicates that this missense variant is not expected to disrupt APC protein function with a negative predictive value of 95%. In summary, the available evidence is currently insufficient to determine the role of this variant in disease. Therefore, it has been classified as a Variant of Uncertain Significance.

Ambry Genetics
Classification: Uncertain significance for Hereditary cancer-predisposing syndrome. Last evaluated: 2024-12-14. Review status: criteria provided, single submitter. Criteria: Ambry Variant Classification Scheme 2023. Collection method: clinical testing. Allele origin: germline.
Comment: The p.P1453R variant (also known as c.4358C>G), located in coding exon 15 of the APC gene, results from a C to G substitution at nucleotide position 4358. The proline at codon 1453 is replaced by arginine, an amino acid with dissimilar properties. This amino acid position is conserved. In addition, in silico predictors for this gene do not accurately predict pathogenicity. Based on the available evidence, the clinical significance of this variant remains unclear.

NM_000038.6(APC):c.4358C>G (p.Pro1453Arg)

Gene: APC (APC regulator of Wnt signaling pathway; plus strand). Cytogenetic location: 5q22.2.
Variant type: single nucleotide variant.
Coding change: c.4358C>G on transcript NM_000038.6 (MANE Select); coding-DNA position 4358, C replaced by G.
Protein change: p.Pro1453Arg; replaces proline 1453 with arginine.
Molecular consequence: missense variant. On other transcripts: non-coding transcript variant (2).
Genome position (GRCh38, 1-based): chr5:112,839,952, C>G. VCF-style: chr5-112839952-C-G. GRCh37 (hg19) VCF-style: chr5-112175649-C-G.
Other names: c.4304C>G, p.Pro1435Arg (NM_001127511.3); c.4358C>G, p.Pro1453Arg (NM_001127510.3, NM_001354895.2, NM_001407450.1); c.4412C>G, p.Pro1471Arg (NM_001354896.2, NM_001407447.1, NM_001407448.1 and 1 more transcripts); c.4235C>G, p.Pro1412Arg (NM_001354900.2); c.4274C>G, p.Pro1425Arg (NM_001354899.2); c.4181C>G, p.Pro1394Arg (NM_001354901.2, NM_001407453.1); c.4388C>G, p.Pro1463Arg (NM_001354897.2); c.4283C>G, p.Pro1428Arg (NM_001354898.2); and 11 more; short protein forms P1069R, P1370R, P1394R, P1412R, P1443R, P1425R, P1435R, P1446R.
Identifiers: ClinVar variation 3881201 (VCV003881201.2).